The following is an entry in ClinVar:

NM_005045.4(RELN):c.8918A>C (p.Glu2973Ala)

Genes: SLC26A5-AS1 (SLC26A5 antisense RNA 1; plus strand), RELN (reelin; minus strand). Cytogenetic location: 7q22.1.
Variant type: single nucleotide variant.
Coding change: c.8918A>C on transcript NM_005045.4 (MANE Select); coding-DNA position 8918, A replaced by C.
Protein change: p.Glu2973Ala; replaces glutamic acid 2973 with alanine.
Molecular consequence: missense variant.
Genome position (GRCh38, 1-based): chr7:103,497,852, T>G on the plus strand (A>C on the coding strand, the complement: RELN is on the minus strand). VCF-style: chr7-103497852-T-G. GRCh37 (hg19) VCF-style: chr7-103138299-T-G.
Other names: c.8918A>C, p.Glu2973Ala (NM_173054.3); short protein forms E2973A.
Identifiers: ClinVar variation 4782850 (VCV004782850.1).
Genomic context (GRCh38, chr7:103,497,852, plus strand): 5'-AGGGGTGGTTTTCACCCCTGACACATGCCTCCATCGGTAGAGTAGTCCAACAGCACGCCT[T>G]CCTTCCGGCAGATGGGACGATGGCAAGAGGTCATGTTGTTCTCACTACCGATGCGCCCCC-3'
Protein context (NP_005036.2, residues 2963-2983): TSCHRPICRK[Glu2973Ala]GVLLDYSTDG

ClinVar aggregate classification (germline): Uncertain significance (1 of 4 stars; one submission).

Conditions:
Norman-Roberts syndrome (LIS2). Also called: Lissencephaly 2 (Norman-Roberts type). Identifiers: Orphanet 89844, MedGen C0796089, MONDO:0009760, OMIM 257320.
Familial temporal lobe epilepsy 7. Identifiers: Orphanet 101046, MedGen C4225327, MONDO:0014639, OMIM 616436.

Submission:

Labcorp Genetics (formerly Invitae), Labcorp
Classification: Uncertain significance for Familial temporal lobe epilepsy 7; Norman-Roberts syndrome. Last evaluated: 2026-01-03. Review status: criteria provided, single submitter. Criteria: Invitae Variant Classification Sherloc (09022015). Collection method: clinical testing. Allele origin: germline.
Comment: This sequence change replaces glutamic acid, which is acidic and polar, with alanine, which is neutral and non-polar, at codon 2973 of the RELN protein (p.Glu2973Ala). This variant is not present in population databases (gnomAD no frequency). This variant has not been reported in the literature in individuals affected with RELN-related conditions. Invitae Evidence Modeling of protein sequence and biophysical properties (such as structural, functional, and spatial information, amino acid conservation, physicochemical variation, residue mobility, and thermodynamic stability) indicates that this missense variant is not expected to disrupt RELN protein function with a negative predictive value of 80%. In summary, the available evidence is currently insufficient to determine the role of this variant in disease. Therefore, it has been classified as a Variant of Uncertain Significance.